The following is an entry in ClinVar:

ClinVar aggregate classification (germline): Uncertain significance. Review status: criteria provided, multiple submitters, no conflicts (2 of 4 stars). 4 submissions from 4 submitters: Uncertain significance (4). Last evaluated 2025-12-05.

Conditions:
Hereditary cancer-predisposing syndrome. Also called: Neoplastic Syndromes, Hereditary; Hereditary neoplastic syndrome; Hereditary Cancer Syndrome; Tumor predisposition. Identifiers: Orphanet 140162, MedGen C0027672, MeSH D009386, MONDO:0015356.
Multiple endocrine neoplasia type 4. Also called: MULTIPLE ENDOCRINE NEOPLASIA, TYPE IV. Identifiers: Orphanet 276152, MedGen C1970712, MONDO:0012552, OMIM 610755.

Allele frequency attached by ClinVar (database versions not stated): ExAC 0.00001; TOPMed 0.00001.

Submissions (4):

Labcorp Genetics (formerly Invitae), Labcorp
Classification: Uncertain significance for Multiple endocrine neoplasia type 4. Last evaluated: 2025-12-05. Review status: criteria provided, single submitter. Criteria: Invitae Variant Classification Sherloc (09022015). Collection method: clinical testing. Allele origin: germline.
Comment: This sequence change replaces serine, which is neutral and polar, with asparagine, which is neutral and polar, at codon 12 of the CDKN1B protein (p.Ser12Asn). This variant is present in population databases (rs775772074, gnomAD 0.0009%). This variant has not been reported in the literature in individuals affected with CDKN1B-related conditions. ClinVar contains an entry for this variant (Variation ID: 658216). An algorithm developed to predict the effect of missense changes on protein structure and function (PolyPhen-2) suggests that this variant is likely to be tolerated. In summary, the available evidence is currently insufficient to determine the role of this variant in disease. Therefore, it has been classified as a Variant of Uncertain Significance.

Ambry Genetics
Classification: Uncertain significance for Hereditary cancer-predisposing syndrome. Last evaluated: 2024-10-15. Review status: criteria provided, single submitter. Criteria: Ambry Variant Classification Scheme 2023. Collection method: clinical testing. Allele origin: germline.
Comment: The p.S12N variant (also known as c.35G>A), located in coding exon 1 of the CDKN1B gene, results from a G to A substitution at nucleotide position 35. The serine at codon 12 is replaced by asparagine, an amino acid with highly similar properties. This amino acid position is conserved. In addition, this alteration is predicted to be tolerated by in silico analysis. Since supporting evidence is limited at this time, the clinical significance of this alteration remains unclear.

Baylor Genetics
Classification: Uncertain significance for Multiple endocrine neoplasia type 4. Last evaluated: 2024-03-27. Review status: criteria provided, single submitter. Criteria: ACMG Guidelines, 2015. Collection method: clinical testing. Allele origin: unknown.

Mayo Clinic Laboratories, Mayo Clinic
Classification: Uncertain significance. Last evaluated: 2022-06-02. Review status: criteria provided, single submitter. Criteria: ACMG Guidelines, 2015. Collection method: clinical testing. Allele origin: germline. Observed: 1 variant allele.
Comment: BP4

NM_004064.5(CDKN1B):c.35G>A (p.Ser12Asn)

Gene: CDKN1B (cyclin dependent kinase inhibitor 1B; plus strand). Cytogenetic location: 12p13.1.
Variant type: single nucleotide variant.
Coding change: c.35G>A on transcript NM_004064.5 (MANE Select); coding-DNA position 35, G replaced by A.
Protein change: p.Ser12Asn; replaces serine 12 with asparagine.
Molecular consequence: missense variant.
Genome position (GRCh38, 1-based): chr12:12,717,874, G>A. VCF-style: chr12-12717874-G-A. GRCh37 (hg19) VCF-style: chr12-12870808-G-A.
Other names: p.Ser12Asn; short protein forms S12N.
Identifiers: ClinVar variation 658216 (VCV000658216.12), dbSNP rs775772074, ClinGen allele CA6457366.